The following is an entry in ClinVar:

NM_001001888.4(VCX3B):c.564C>T (p.Ser188=)

Gene: VCX3B (variable charge X-linked 3B; plus strand). Cytogenetic location: Xp22.31.
Variant type: single nucleotide variant.
Coding change: c.564C>T on transcript NM_001001888.4 (MANE Select); coding-DNA position 564, C replaced by T.
Protein change: p.Ser188=; no amino-acid change (serine 188 retained).
Molecular consequence: synonymous variant.
Genome position (GRCh38, 1-based): chrX:8,466,206, C>T. VCF-style: chrX-8466206-C-T. GRCh37 (hg19) VCF-style: chrX-8434247-C-T.
Identifiers: ClinVar variation 3770861 (VCV003770861.13).

ClinVar aggregate classification (germline): Likely benign (1 of 4 stars; one submission).

Submission:

CeGaT Center for Human Genetics Tuebingen
Classification: Likely benign. Last evaluated: 2025-01-01. Review status: criteria provided, single submitter. Criteria: CeGaT Center For Human Genetics Tuebingen Variant Classification Criteria Version 2. Collection method: clinical testing. Allele origin: germline. Affected: yes. Observed: 1 variant allele.
Comment: VCX3B: BP4, BP7